The following is an entry in ClinVar:

ClinVar aggregate classification (germline): Uncertain significance (1 of 4 stars; one submission).

Conditions:
Classic or attenuated familial adenomatous polyposis. Identifiers: MedGen CN372698, MONDO:0021057.

Submission:

All of Us Research Program, National Institutes of Health
Classification: Uncertain significance for Classic or attenuated familial adenomatous polyposis. Last evaluated: 2023-03-04. Review status: criteria provided, single submitter. Criteria: ACMG Guidelines, 2015. Collection method: clinical testing. Allele origin: germline. Inheritance: Autosomal dominant inheritance. Observed: 1 variant allele, 1 heterozygote.
Comment: This study involves interpretation of variants in research participants for the purpose of population health screening. Participant phenotype was not available at the time of variant classification. Additional details can be found in publication PMID: 35346344, PMCID: PMC8962531

NM_000038.6(APC):c.6808T>A (p.Ser2270Thr)

Gene: APC (APC regulator of WNT signaling pathway; plus strand). Cytogenetic location: 5q22.2.
Variant type: single nucleotide variant.
Coding change: c.6808T>A on transcript NM_000038.6 (MANE Select); coding-DNA position 6808, T replaced by A.
Protein change: p.Ser2270Thr; replaces serine 2270 with threonine.
Molecular consequence: missense variant. On other transcripts: non-coding transcript variant (2).
Genome position (GRCh38, 1-based): chr5:112,842,402, T>A. VCF-style: chr5-112842402-T-A. GRCh37 (hg19) VCF-style: chr5-112178099-T-A.
Other names: c.6421T>A, p.Ser2141Thr (NM_001407469.1, NM_001407467.1); c.5959T>A, p.Ser1987Thr (NM_001407470.1, NM_001354906.2); c.5656T>A, p.Ser1886Thr (NM_001407471.1, NM_001407472.1); c.6808T>A, p.Ser2270Thr (NM_001127510.3, NM_001354895.2, NM_001407450.1); c.6754T>A, p.Ser2252Thr (NM_001127511.3); c.6862T>A, p.Ser2288Thr (NM_001354896.2, NM_001407447.1, NM_001407448.1 and 1 more transcripts); c.6838T>A, p.Ser2280Thr (NM_001354897.2); c.6733T>A, p.Ser2245Thr (NM_001354898.2); and 11 more; short protein forms S1886T, S1987T, S2110T, S2141T, S2144T, S2169T, S2179T, S2187T.
Identifiers: ClinVar variation 3069740 (VCV003069740.1), dbSNP rs2533745202, ClinGen allele CA16036197.